The following is an entry in ClinVar:

ClinVar aggregate classification (germline): Uncertain significance (1 of 4 stars; one submission).

Conditions:
RASopathy. Also called: rasopathies; Noonan spectrum disorder. Identifiers: Orphanet 536391, MedGen C5555857, MONDO:0021060.

Submission:

Labcorp Genetics (formerly Invitae), Labcorp
Classification: Uncertain significance for RASopathy. Last evaluated: 2023-03-04. Review status: criteria provided, single submitter. Criteria: Invitae Variant Classification Sherloc (09022015). Collection method: clinical testing. Allele origin: germline.
Comment: This sequence change replaces threonine, which is neutral and polar, with arginine, which is basic and polar, at codon 183 of the KRAS protein (p.Thr183Arg). This variant is not present in population databases (gnomAD no frequency). This variant has not been reported in the literature in individuals affected with KRAS-related conditions. An algorithm developed to predict the effect of missense changes on protein structure and function (PolyPhen-2) suggests that this variant is likely to be tolerated. In summary, the available evidence is currently insufficient to determine the role of this variant in disease. Therefore, it has been classified as a Variant of Uncertain Significance.

NM_004985.5(KRAS):c.548C>G (p.Thr183Arg)

Gene: KRAS (KRAS proto-oncogene, GTPase; minus strand). Cytogenetic location: 12p12.1.
Variant type: single nucleotide variant.
Coding change: c.548C>G on transcript NM_004985.5 (MANE Select); coding-DNA position 548, C replaced by G.
Protein change: p.Thr183Arg; replaces threonine 183 with arginine.
Molecular consequence: missense variant. On other transcripts: 3 prime UTR variant (2).
Genome position (GRCh38, 1-based): chr12:25,209,814, G>C on the plus strand (C>G on the coding strand, the complement: KRAS is on the minus strand). VCF-style: chr12-25209814-G-C. GRCh37 (hg19) VCF-style: chr12-25362748-G-C.
Other names: c.*102C>G (NM_001369786.1, NM_033360.4); c.548C>G, p.Thr183Arg (NM_001369787.1); short protein forms T183R.
Identifiers: ClinVar variation 3009878 (VCV003009878.3), dbSNP rs1256144582, ClinGen allele CA384148317.
Genomic context (GRCh38, chr12:25,209,814, plus strand): 5'-ACTTGTACTAGTATGCCTTAAGAAAAAAGTACAAATTGTATTTACATAATTACACACTTT[G>C]TCTTTGACTTCTTTTTCTTCTTTTTACCATCTTTGCTCATCTTTTCTTTATGTTTTCGAA-3'
Protein context (NP_004976.2, residues 173-188): DGKKKKKKSK[Thr183Arg]KCVIM